The following is an entry in ClinVar:

ClinVar aggregate classification (germline): Uncertain significance. Review status: criteria provided, multiple submitters, no conflicts (2 of 4 stars). 4 submissions from 4 submitters: Uncertain significance (4). Last evaluated 2025-06-18.

Conditions:
Hereditary cancer-predisposing syndrome. Also called: Hereditary Cancer Syndrome; Hereditary neoplastic syndrome; Tumor predisposition; Neoplastic Syndromes, Hereditary. Identifiers: Orphanet 140162, MedGen C0027672, MeSH D009386, MONDO:0015356.
Peutz-Jeghers syndrome (PJS). Also called: POLYPOSIS, HAMARTOMATOUS INTESTINAL; POLYPS-AND-SPOTS SYNDROME; Peutz-Jeghers polyposis; Periorificial lentiginosis syndrome. Identifiers: Orphanet 2869, MedGen C0031269, MeSH D010580, MONDO:0008280, OMIM 175200.

Allele frequency attached by ClinVar (database versions not stated): TOPMed below 0.00001; gnomAD 0.00001.
gnomAD v4.1: 1 of 1,608,416 alleles (0.000062%); highest among the groups gnomAD compares: Admixed American, 0.0017%; no homozygotes.

Submissions (4):

Labcorp Genetics (formerly Invitae), Labcorp
Classification: Uncertain significance for Peutz-Jeghers syndrome. Last evaluated: 2025-06-18. Review status: criteria provided, single submitter. Criteria: Invitae Variant Classification Sherloc (09022015). Collection method: clinical testing. Allele origin: germline.
Comment: This sequence change replaces valine, which is neutral and non-polar, with alanine, which is neutral and non-polar, at codon 338 of the STK11 protein (p.Val338Ala). This variant is not present in population databases (gnomAD no frequency). This variant has not been reported in the literature in individuals affected with STK11-related conditions. ClinVar contains an entry for this variant (Variation ID: 629005). Invitae Evidence Modeling of protein sequence and biophysical properties (such as structural, functional, and spatial information, amino acid conservation, physicochemical variation, residue mobility, and thermodynamic stability) indicates that this missense variant is not expected to disrupt STK11 protein function with a negative predictive value of 95%. In summary, the available evidence is currently insufficient to determine the role of this variant in disease. Therefore, it has been classified as a Variant of Uncertain Significance.

Ambry Genetics
Classification: Uncertain significance for Hereditary cancer-predisposing syndrome. Last evaluated: 2025-01-20. Review status: criteria provided, single submitter. Criteria: Ambry Variant Classification Scheme 2023. Collection method: clinical testing. Allele origin: germline.
Comment: The p.V338A variant (also known as c.1013T>C), located in coding exon 8 of the STK11 gene, results from a T to C substitution at nucleotide position 1013. The valine at codon 338 is replaced by alanine, an amino acid with similar properties. This amino acid position is well conserved in available vertebrate species. In addition, this alteration is predicted to be tolerated by in silico analysis. Since supporting evidence is limited at this time, the clinical significance of this alteration remains unclear.

GeneDx
Classification: Uncertain significance. Last evaluated: 2024-11-14. Review status: criteria provided, single submitter. Criteria: GeneDx Variant Classification Process June 2021. Collection method: clinical testing. Allele origin: germline.
Comment: Not observed at significant frequency in large population cohorts (gnomAD); In silico analysis supports that this missense variant has a deleterious effect on protein structure/function; Has not been previously published as pathogenic or benign to our knowledge; This variant is associated with the following publications: (PMID: 28900777)

Color Diagnostics, LLC DBA Color Health
Classification: Uncertain significance for Hereditary cancer-predisposing syndrome. Last evaluated: 2023-12-04. Review status: criteria provided, single submitter. Criteria: ACMG Guidelines, 2015. Collection method: clinical testing. Allele origin: germline.
Comment: This missense variant replaces valine with alanine at codon 338 of the STK11 protein. Computational prediction suggests that this variant may not impact protein structure and function (internally defined REVEL score threshold <= 0.5, PMID: 27666373). To our knowledge, functional studies have not been reported for this variant. This variant has not been reported in individuals affected with STK11-related disorders in the literature. This variant has not been identified in the general population by the Genome Aggregation Database (gnomAD). The available evidence is insufficient to determine the role of this variant in disease conclusively. Therefore, this variant is classified as a Variant of Uncertain Significance.

NM_000455.5(STK11):c.1013T>C (p.Val338Ala)

Genes: STK11 (serine/threonine kinase 11; plus strand), LOC130062899 (ATAC-STARR-seq lymphoblastoid active region 13597; plus strand). Cytogenetic location: 19p13.3.
Variant type: single nucleotide variant.
Coding change: c.1013T>C on transcript NM_000455.5 (MANE Select); coding-DNA position 1013, T replaced by C.
Protein change: p.Val338Ala; replaces valine 338 with alanine.
Molecular consequence: missense variant.
Genome position (GRCh38, 1-based): chr19:1,223,077, T>C. VCF-style: chr19-1223077-T-C. GRCh37 (hg19) VCF-style: chr19-1223076-T-C.
Other names: short protein forms V338A.
Identifiers: ClinVar variation 629005 (VCV000629005.15), dbSNP rs1568712203, ClinGen allele CA402951712.
Genomic context (GRCh38, chr19:1,223,077, plus strand): 5'-CACCAGTGCCCATCCCACCGAGCCCAGACACCAAGGACCGGTGGCGCAGCATGACTGTGG[T>C]GCCGTACTTGGAGGACCTGCACGGCGCGGACGAGGACGAGGACCTCTTCGACATCGAGGA-3'
Protein context (NP_000446.1, residues 328-348): TKDRWRSMTV[Val338Ala]PYLEDLHGAD